The following is an entry in ClinVar:

ClinVar aggregate classification (germline): Uncertain significance. Review status: criteria provided, multiple submitters, no conflicts (2 of 4 stars). 3 submissions from 3 submitters: Uncertain significance (3). Last evaluated 2025-10-08.

Conditions:
Inborn genetic diseases. Identifiers: MedGen C0950123, MeSH D030342.
FANCM-related disorder. Also called: FANCM-related condition.
Fanconi anemia (FA). Also called: Fanconi's anemia. Identifiers: Orphanet 84, MedGen C0015625, MeSH D005199, MONDO:0019391.

gnomAD v4.1: 9 of 1,613,516 alleles (0.00056%); highest among the groups gnomAD compares: Non-Finnish European, 0.00076%; no homozygotes.

Submissions (3):

Ambry Genetics
Classification: Uncertain significance for Inborn genetic diseases. Last evaluated: 2025-10-08. Review status: criteria provided, single submitter. Criteria: Ambry Variant Classification Scheme 2023. Collection method: clinical testing. Allele origin: germline.
Comment: The p.R569S variant (also known as c.1705C>A), located in coding exon 10 of the FANCM gene, results from a C to A substitution at nucleotide position 1705. The arginine at codon 569 is replaced by serine, an amino acid with dissimilar properties. This amino acid position is conserved. In addition, this alteration is predicted to be deleterious by in silico analysis. Based on the available evidence, the clinical significance of this variant remains unclear.

Labcorp Genetics (formerly Invitae), Labcorp
Classification: Uncertain significance for Fanconi anemia. Last evaluated: 2023-12-14. Review status: criteria provided, single submitter. Criteria: Invitae Variant Classification Sherloc (09022015). Collection method: clinical testing. Allele origin: germline.
Comment: This sequence change replaces arginine, which is basic and polar, with serine, which is neutral and polar, at codon 569 of the FANCM protein (p.Arg569Ser). This variant is not present in population databases (gnomAD no frequency). This variant has not been reported in the literature in individuals affected with FANCM-related conditions. ClinVar contains an entry for this variant (Variation ID: 1396984). An algorithm developed to predict the effect of missense changes on protein structure and function (PolyPhen-2) suggests that this variant is likely to be disruptive. In summary, the available evidence is currently insufficient to determine the role of this variant in disease. Therefore, it has been classified as a Variant of Uncertain Significance.

PreventionGenetics, part of Exact Sciences
Classification: Uncertain significance for FANCM-related condition. Last evaluated: 2023-07-12. Review status: criteria provided, single submitter. Criteria: ACMG Guidelines, 2015. Collection method: clinical testing. Allele origin: germline.
Comment: The FANCM c.1705C>A variant is predicted to result in the amino acid substitution p.Arg569Ser. To our knowledge, this variant has not been reported in the literature or in a large population database, indicating it is rare. In ClinVar, this variant is classified as uncertain. At this time, the clinical significance of this variant is uncertain due to the absence of conclusive functional and genetic evidence.

NM_020937.4(FANCM):c.1705C>A (p.Arg569Ser)

Gene: FANCM (FA complementation group M; plus strand). Cytogenetic location: 14q21.2.
Variant type: single nucleotide variant.
Coding change: c.1705C>A on transcript NM_020937.4 (MANE Select); coding-DNA position 1705, C replaced by A.
Protein change: p.Arg569Ser; replaces arginine 569 with serine.
Molecular consequence: missense variant.
Genome position (GRCh38, 1-based): chr14:45,164,482, C>A. VCF-style: chr14-45164482-C-A. GRCh37 (hg19) VCF-style: chr14-45633685-C-A.
Other names: c.1627C>A, p.Arg543Ser (NM_001308133.2); c.1705C>A, p.Arg569Ser (NM_001308134.2); c.1705C>A (NM_020937.3, NM_020937.2); short protein forms R569S, R543S.
Identifiers: ClinVar variation 1396984 (VCV001396984.8), dbSNP rs1388696715, ClinGen allele CA389593940.